The following is an entry in ClinVar:

ClinVar aggregate classification (germline): Uncertain significance (1 of 4 stars; one submission).

Conditions:
Developmental and epileptic encephalopathy, 34 (DEE34). Also called: SLC12A5-Related Epilepsy of Infancy with Migrating Focal Seizures; Early infantile epileptic encephalopathy 34. Identifiers: Orphanet 293181, MedGen C4225257, MONDO:0014718, OMIM 616645.

Allele frequency attached by ClinVar (database versions not stated): gnomAD 0.00001; gnomAD exomes 0.00001 and 0.00003; ExAC 0.00002; TOPMed 0.00002; ESP Exome Variant Server 0.00008.
gnomAD v4.1: 14 of 1,614,082 alleles (0.00087%); highest among the groups gnomAD compares: Non-Finnish European, 0.00034%; no homozygotes.

Submission:

Labcorp Genetics (formerly Invitae), Labcorp
Classification: Uncertain significance for Developmental and epileptic encephalopathy, 34. Last evaluated: 2020-09-11. Review status: criteria provided, single submitter. Criteria: Invitae Variant Classification Sherloc (09022015). Collection method: clinical testing. Allele origin: germline.
Comment: In summary, the available evidence is currently insufficient to determine the role of this variant in disease. Therefore, it has been classified as a Variant of Uncertain Significance. Advanced modeling of protein sequence and biophysical properties (such as structural, functional, and spatial information, amino acid conservation, physicochemical variation, residue mobility, and thermodynamic stability) performed at Invitae indicates that this missense variant is expected to disrupt SLC12A5 protein function. This variant has not been reported in the literature in individuals with SLC12A5-related conditions. This variant is present in population databases (rs149824011, ExAC 0.004%). This sequence change replaces leucine with proline at codon 540 of the SLC12A5 protein (p.Leu540Pro). The leucine residue is highly conserved and there is a moderate physicochemical difference between leucine and proline.

NM_020708.5(SLC12A5):c.1619T>C (p.Leu540Pro)

Gene: SLC12A5 (solute carrier family 12 member 5; plus strand). Cytogenetic location: 20q13.12.
Variant type: single nucleotide variant.
Coding change: c.1619T>C on transcript NM_020708.5 (MANE Select); coding-DNA position 1619, T replaced by C.
Protein change: p.Leu540Pro; replaces leucine 540 with proline.
Molecular consequence: missense variant.
Genome position (GRCh38, 1-based): chr20:46,045,927, T>C. VCF-style: chr20-46045927-T-C. GRCh37 (hg19) VCF-style: chr20-44674566-T-C.
Other names: c.1688T>C, p.Leu563Pro (NM_001134771.2); short protein forms L563P, L540P.
Identifiers: ClinVar variation 1040827 (VCV001040827.9), dbSNP rs149824011, ClinGen allele CA9887383.